The following is an entry in ClinVar:

ClinVar aggregate classification (germline): Likely benign. Review status: criteria provided, multiple submitters, no conflicts (2 of 4 stars). 4 submissions from 4 submitters: Likely benign (2). 2 of the submissions do not count toward it. Last evaluated 2026-02-02.

Conditions:
ARSA-related disorder. Also called: ARSA-related condition.
Metachromatic leukodystrophy (MLD). Also called: SULFATIDE LIPIDOSIS; ARSA DEFICIENCY; CEREBROSIDE SULFATASE DEFICIENCY; Cerebral sclerosis diffuse metachromatic form; Arylsulfatase A Deficiency; METACHROMATIC LEUKOENCEPHALOPATHY. Identifiers: Orphanet 512, MedGen C0023522, MONDO:0018868, OMIM 250100.

Allele frequency attached by ClinVar (database versions not stated): gnomAD 0.00006 and 0.00007; TOPMed 0.00012; gnomAD exomes 0.00014; ExAC 0.00020; 1000 Genomes Project 0.00060; 1000 Genomes Project 30x 0.00062.

Submissions (4):

Labcorp Genetics (formerly Invitae), Labcorp
Classification: Likely benign for Metachromatic leukodystrophy. Last evaluated: 2026-02-02. Review status: criteria provided, single submitter. Criteria: Invitae Variant Classification Sherloc (09022015). Collection method: clinical testing. Allele origin: germline.

Blueprint Genetics
Classification: Likely benign. Last evaluated: 2021-08-17. Review status: criteria provided, single submitter. Criteria: ACMG Guidelines, 2015. Collection method: clinical testing. Allele origin: germline.

Natera, Inc.
Classification: Likely benign for Metachromatic leukodystrophy. Last evaluated: 2020-04-29. Review status: no assertion criteria provided. Collection method: clinical testing. Allele origin: germline. Not counted in ClinVar's aggregate classification.

PreventionGenetics, part of Exact Sciences
Classification: Likely benign for ARSA-related condition. Last evaluated: 2019-08-22. Review status: no assertion criteria provided. Collection method: clinical testing. Allele origin: germline. Not counted in ClinVar's aggregate classification.
Comment: This variant is classified as likely benign based on ACMG/AMP sequence variant interpretation guidelines (Richards et al. 2015 PMID: 25741868, with internal and published modifications).

NM_000487.6(ARSA):c.228C>T (p.Ala76=)

Gene: ARSA (arylsulfatase A; minus strand). Cytogenetic location: 22q13.33.
Variant type: single nucleotide variant.
Coding change: c.228C>T on transcript NM_000487.6 (MANE Select); coding-DNA position 228, C replaced by T.
Protein change: p.Ala76=; no amino-acid change (alanine 76 retained).
Molecular consequence: synonymous variant. On other transcripts: 5 prime UTR variant (2).
Genome position (GRCh38, 1-based): chr22:50,627,403, G>A on the plus strand (C>T on the coding strand, the complement: ARSA is on the minus strand). VCF-style: chr22-50627403-G-A. GRCh37 (hg19) VCF-style: chr22-51065831-G-A.
Other names: c.228C>T, p.Ala76= (NM_001085425.3, NM_001085426.3, NM_001085427.3); c.-31C>T (NM_001085428.3, NM_001362782.2).
Identifiers: ClinVar variation 732814 (VCV000732814.15), dbSNP rs371930403, ClinGen allele CA10325083.